The following is an entry in ClinVar:

Conditions:
Breast-ovarian cancer, familial, susceptibility to, 1 (BROVCA1). Also called: BRCA1 Hereditary Breast and Ovarian Cancer; OVARIAN CANCER, SUSCEPTIBILITY TO. Identifiers: Orphanet 145, MedGen C2676676, MONDO:0011450, OMIM 604370. Disease mechanism: loss of function.

Submission:

Brotman Baty Institute, University of Washington
No classification provided (evidence only). Condition: Breast-ovarian cancer, familial 1. Review status: no classification provided. Collection method: in vitro. Allele origin: not applicable. Functional consequence: functionally_normal.
ClinVar note: "not provided" was previously submitted as the classification for the variant. However, the classification appeared to be based only on an observation of functional data so it was converted to no classification on 2025-07-30.

NM_007294.4(BRCA1):c.5225A>C (p.Asn1742Thr)

Gene: BRCA1 (BRCA1 DNA repair associated; minus strand). Cytogenetic location: 17q21.31.
Variant type: single nucleotide variant.
Coding change: c.5225A>C on transcript NM_007294.4 (MANE Select); coding-DNA position 5225, A replaced by C.
Protein change: p.Asn1742Thr; replaces asparagine 1742 with threonine.
Molecular consequence: missense variant. On other transcripts: non-coding transcript variant (1).
Genome position (GRCh38, 1-based): chr17:43,057,104, T>G on the plus strand (A>C on the coding strand, the complement: BRCA1 is on the minus strand). VCF-style: chr17-43057104-T-G. GRCh37 (hg19) VCF-style: chr17-41209121-T-G.
Other names: c.5012A>C, p.Asn1671Thr (NM_001407571.1, NM_001407900.1, NM_001407902.1 and 12 more transcripts); c.5291A>C, p.Asn1764Thr (NM_001407581.1, NM_001407582.1); c.5288A>C, p.Asn1763Thr (NM_001407583.1, NM_001407585.1, NM_001407587.1 and 1 more transcripts); c.5222A>C, p.Asn1741Thr (NM_001407610.1, NM_001407611.1, NM_001407612.1 and 17 more transcripts); c.5219A>C, p.Asn1740Thr (NM_001407629.1, NM_001407630.1, NM_001407631.1 and 14 more transcripts); c.5165A>C, p.Asn1722Thr (NM_001407649.1); c.5147A>C, p.Asn1716Thr (NM_001407652.1, NM_001407653.1, NM_001407654.1 and 1 more transcripts); c.5144A>C, p.Asn1715Thr (NM_001407656.1, NM_001407657.1, NM_001407658.1); and 72 more; short protein forms N1742T, N1763T, N1695T, N638T, N1588T, N1670T, N1674T, N1675T.
Identifiers: ClinVar variation 865176 (VCV000865176.3), dbSNP rs864622104, ClinGen allele CA10591094.